The following is an entry in ClinVar:

NM_006231.4(POLE):c.5260_5263dup (p.Gly1755fs)

Gene: POLE (DNA polymerase epsilon, catalytic subunit; minus strand). Cytogenetic location: 12q24.33.
Variant type: Duplication.
Coding change: c.5260_5263dup on transcript NM_006231.4 (MANE Select); coding-DNA positions 5260 to 5263, 4 bases duplicated (ATGG; older notation c.5260_5263dupATGG).
Protein change: p.Gly1755fs; shifts the reading frame from glycine 1755.
Molecular consequence: frameshift variant.
Genome position (GRCh38, 1-based): chr12:132,641,762-132,641,765, CCAT duplicated on the plus strand (ATGG on the coding strand, the reverse complement: POLE is on the minus strand). VCF-style (leftmost placement, unchanged base first): chr12-132641761-C-CCCAT. GRCh37 (hg19) VCF-style: chr12-133218347-C-CCCAT.
Other names: c.5260_5263dupATGG (NM_006231.2); short protein forms G1755fs.
Identifiers: ClinVar variation 2748042 (VCV002748042.4), dbSNP rs2541881067, ClinGen allele CA2697551573.

ClinVar aggregate classification (germline): Conflicting classifications of pathogenicity. Review status: criteria provided, conflicting classifications (1 of 4 stars). 2 submissions from 2 submitters: Pathogenic (1); Uncertain significance (1). Last evaluated 2025-09-05.

Conditions:
Hereditary cancer-predisposing syndrome. Also called: Hereditary Cancer Syndrome; Neoplastic Syndromes, Hereditary; Tumor predisposition; Hereditary neoplastic syndrome. Identifiers: Orphanet 140162, MedGen C0027672, MeSH D009386, MONDO:0015356.

Submissions (2):

Ambry Genetics
Classification: Uncertain significance for Hereditary cancer-predisposing syndrome. Last evaluated: 2025-09-05. Review status: criteria provided, single submitter. Criteria: Ambry Variant Classification Scheme 2023. Collection method: clinical testing. Allele origin: germline.
Comment: The c.5260_5263dupATGG variant, located in coding exon 39 of the POLE gene, results from a duplication of ATGG at nucleotide positions 5260 to 5263, causing a translational frameshift with a predicted alternate stop codon (p.G1755Dfs*31). This alteration is expected to result in loss of function by premature protein truncation or nonsense-mediated mRNA decay. Although biallelic loss of function of POLE has been associated with autosomal recessive POLE deficiency, haploinsufficiency of POLE has not been established as a mechanism of disease for POLE-related polymerase proofreading-associated polyposis (PPAP) and POLE-related CMMRD-like syndrome. Based on the supporting evidence, this variant is expected to be causative of POLE deficiency when present along with a second pathogenic variant on the other allele; however, its clinical significance for PPAP and POLE-related CMMRD-like syndrome is unclear.

Labcorp Genetics (formerly Invitae), Labcorp
Classification: Pathogenic. Last evaluated: 2025-07-10. Review status: criteria provided, single submitter. Criteria: Invitae Variant Classification Sherloc (09022015). Collection method: clinical testing. Allele origin: germline.
Comment: This sequence change creates a premature translational stop signal (p.Gly1755Aspfs*31) in the POLE gene. It is expected to result in an absent or disrupted protein product. Loss-of-function variants in POLE are known to be pathogenic (PMID: 23230001, 25948378, 30503519). This variant is not present in population databases (gnomAD no frequency). This variant has not been reported in the literature in individuals affected with POLE-related conditions. ClinVar contains an entry for this variant (Variation ID: 2748042). For these reasons, this variant has been classified as Pathogenic.

Literature cited by the submitters: PubMed 23230001 (cited by Labcorp Genetics (formerly Invitae), Labcorp); PubMed 25948378 (cited by Labcorp Genetics (formerly Invitae), Labcorp); PubMed 30503519 (cited by Labcorp Genetics (formerly Invitae), Labcorp).